The following is an entry in ClinVar:

NM_021813.4(BACH2):c.1843C>A (p.Leu615Ile)

Gene: BACH2 (BTB domain and CNC homolog 2; minus strand). Cytogenetic location: 6q15.
Variant type: single nucleotide variant.
Coding change: c.1843C>A on transcript NM_021813.4 (MANE Select); coding-DNA position 1843, C replaced by A.
Protein change: p.Leu615Ile; replaces leucine 615 with isoleucine.
Molecular consequence: missense variant.
Genome position (GRCh38, 1-based): chr6:89,938,344, G>T on the plus strand (C>A on the coding strand, the complement: BACH2 is on the minus strand). VCF-style: chr6-89938344-G-T. GRCh37 (hg19) VCF-style: chr6-90648063-G-T.
Other names: c.1843C>A, p.Leu615Ile (NM_001170794.2); short protein forms L615I.
Identifiers: ClinVar variation 1049033 (VCV001049033.1), dbSNP rs2128353846, ClinGen allele CA365069934.

ClinVar aggregate classification (germline): Uncertain significance (0 of 4 stars; one submission).

Submission:

Department of Pathology and Laboratory Medicine, Sinai Health System
Classification: Uncertain significance. Review status: no assertion criteria provided. Collection method: clinical testing. Allele origin: unknown. Affected: yes. Study: The Canadian Open Genetics Repository (COGR).
Comment: The BACH2 p.Leu615Ile variant was not identified in the literature nor was it identified in dbSNP, ClinVar, LOVD 3.0 or in the following control databases: the 1000 Genomes Project, the NHLBI GO Exome Sequencing Project, or the Genome Aggregation Database (March 6, 2019, v2.1.1). The p.Leu615 residue is conserved in mammals and computational analyses (PolyPhen-2, SIFT, AlignGVGD, BLOSUM, MutationTaster) provide inconsistent predictions regarding the impact to the protein; this information is not very predictive of pathogenicity. The variant occurs outside of the splicing consensus sequence and in silico or computational prediction software programs (SpliceSiteFinder, MaxEntScan, NNSPLICE, GeneSplicer) do not predict a difference in splicing. In summary, based on the above information the clinical significance of this variant cannot be determined with certainty at this time. This variant is classified as a variant of uncertain significance.